The following is an entry in ClinVar:

ClinVar aggregate classification (germline): Uncertain significance. Review status: criteria provided, multiple submitters, no conflicts (2 of 4 stars). 2 submissions from 2 submitters: Uncertain significance (2). Last evaluated 2023-02-16.

Conditions:
Familial cancer of breast. Also called: BREAST CANCER, FAMILIAL; Hereditary breast cancer; hereditary breast carcinoma. Identifiers: Orphanet 227535, MedGen C0346153, MONDO:0016419, OMIM 114480. Disease mechanism: loss of function.

Submissions (2):

Quest Diagnostics Nichols Institute San Juan Capistrano
Classification: Uncertain significance. Last evaluated: 2023-02-16. Review status: criteria provided, single submitter. Criteria: Quest Diagnostics criteria. Collection method: clinical testing. Allele origin: unknown.
Comment: The variant has not been reported in the published literature. The frequency of this variant in the general population, 0.0000066 (1/152192 chromosomes), is uninformative in assessment of its pathogenicity. Analysis of this variant using bioinformatics tools for the prediction of the effect of amino acid changes on protein structure and function yielded predictions that this variant is damaging. Based on the available information, we are unable to determine the clinical significance of this variant.

Labcorp Genetics (formerly Invitae), Labcorp
Classification: Uncertain significance for Familial cancer of breast. Last evaluated: 2021-09-01. Review status: criteria provided, single submitter. Criteria: Invitae Variant Classification Sherloc (09022015). Collection method: clinical testing. Allele origin: germline.
Comment: This sequence change replaces tryptophan with arginine at codon 629 of the BARD1 protein (p.Trp629Arg). The tryptophan residue is highly conserved and there is a moderate physicochemical difference between tryptophan and arginine. This variant is not present in population databases (ExAC no frequency). This variant has not been reported in the literature in individuals affected with BARD1-related conditions. Algorithms developed to predict the effect of missense changes on protein structure and function (SIFT, PolyPhen-2, Align-GVGD) all suggest that this variant is likely to be disruptive. In summary, the available evidence is currently insufficient to determine the role of this variant in disease. Therefore, it has been classified as a Variant of Uncertain Significance.

NM_000465.4(BARD1):c.1885T>C (p.Trp629Arg)

Gene: BARD1 (BRCA1 associated RING domain 1; minus strand). Cytogenetic location: 2q35.
Variant type: single nucleotide variant.
Coding change: c.1885T>C on transcript NM_000465.4 (MANE Select); coding-DNA position 1885, T replaced by C.
Protein change: p.Trp629Arg; replaces tryptophan 629 with arginine.
Molecular consequence: missense variant. On other transcripts: non-coding transcript variant (3), intron variant (1).
Genome position (GRCh38, 1-based): chr2:214,745,085, A>G on the plus strand (T>C on the coding strand, the complement: BARD1 is on the minus strand). VCF-style: chr2-214745085-A-G. GRCh37 (hg19) VCF-style: chr2-215609809-A-G.
Other names: c.1828T>C, p.Trp610Arg (NM_001282543.2); c.532T>C, p.Trp178Arg (NM_001282545.2); c.475T>C, p.Trp159Arg (NM_001282548.2); c.365-14577T>C (NM_001282549.2); short protein forms W159R, W610R, W178R, W629R.
Identifiers: ClinVar variation 951767 (VCV000951767.8), dbSNP rs1020097535, ClinGen allele CA350452085.
Genomic context (GRCh38, chr2:214,745,085, plus strand): 5'-TAGTCTAATTCATTTCTTAATTCTCTCAAATCCAACACTTACATTCAAATTTTAGAATCC[A>G]GCATCCATTGAGAATCCCAAGCATACACTTCAAGGTACTTTGAACTGCATCACCAGGAAC-3'
Protein context (NP_000456.2, residues 619-639): KCMLGILNGC[Trp629Arg]ILKFEWVKAC